The following is an entry in ClinVar:

ClinVar aggregate classification (germline): Uncertain significance (1 of 4 stars; one submission).

Conditions:
EAST syndrome (SESAMES). Also called: SEIZURES, SENSORINEURAL DEAFNESS, ATAXIA, IMPAIRED INTELLECTUAL DEVELOPMENT, AND ELECTROLYTE IMBALANCE. Identifiers: Orphanet 199343, MedGen C2748572, MONDO:0013005, OMIM 612780.

Submission:

Labcorp Genetics (formerly Invitae), Labcorp
Classification: Uncertain significance for EAST syndrome. Last evaluated: 2020-04-23. Review status: criteria provided, single submitter. Criteria: Invitae Variant Classification Sherloc (09022015). Collection method: clinical testing. Allele origin: germline.
Comment: Algorithms developed to predict the effect of missense changes on protein structure and function (SIFT, PolyPhen-2, Align-GVGD) all suggest that this variant is likely to be tolerated, but these predictions have not been confirmed by published functional studies and their clinical significance is uncertain. This variant has not been reported in the literature in individuals with KCNJ10-related conditions. This variant is not present in population databases (ExAC no frequency). This sequence change replaces leucine with valine at codon 142 of the KCNJ10 protein (p.Leu142Val). The leucine residue is moderately conserved and there is a small physicochemical difference between leucine and valine. In summary, the available evidence is currently insufficient to determine the role of this variant in disease. Therefore, it has been classified as a Variant of Uncertain Significance.

NM_002241.5(KCNJ10):c.424C>G (p.Leu142Val)

Gene: KCNJ10 (potassium inwardly rectifying channel subfamily J member 10; minus strand). Cytogenetic location: 1q23.2.
Variant type: single nucleotide variant.
Coding change: c.424C>G on transcript NM_002241.5 (MANE Select); coding-DNA position 424, C replaced by G.
Protein change: p.Leu142Val; replaces leucine 142 with valine.
Molecular consequence: missense variant.
Genome position (GRCh38, 1-based): chr1:160,042,109, G>C on the plus strand (C>G on the coding strand, the complement: KCNJ10 is on the minus strand). VCF-style: chr1-160042109-G-C. GRCh37 (hg19) VCF-style: chr1-160011899-G-C.
Other names: short protein forms L142V.
Identifiers: ClinVar variation 1045513 (VCV001045513.9), dbSNP rs1348882970, ClinGen allele CA343227339.